The following is an entry in ClinVar:

ClinVar aggregate classification (germline): Uncertain significance (1 of 4 stars; one submission).

Conditions:
Familial meningioma. Also called: Meningioma, familial, susceptibility to. Identifiers: Orphanet 263662, MedGen C3551915, MONDO:0011789, OMIM 607174.

Submission:

Labcorp Genetics (formerly Invitae), Labcorp
Classification: Uncertain significance for Familial meningioma. Last evaluated: 2022-07-15. Review status: criteria provided, single submitter. Criteria: Invitae Variant Classification Sherloc (09022015). Collection method: clinical testing. Allele origin: germline.
Comment: In summary, the available evidence is currently insufficient to determine the role of this variant in disease. Therefore, it has been classified as a Variant of Uncertain Significance. This variant is not present in population databases (gnomAD no frequency). This sequence change results in a frameshift in the SMARCE1 gene (p.Ala292Argfs*149). While this is not anticipated to result in nonsense mediated decay, it is expected to disrupt the last 120 amino acid(s) of the SMARCE1 protein and extend the protein by 28 additional amino acid residues. This variant has not been reported in the literature in individuals affected with SMARCE1-related conditions. Experimental studies and prediction algorithms are not available or were not evaluated, and the functional significance of this variant is currently unknown.

NM_003079.5(SMARCE1):c.874_877del (p.Ala292fs)

Gene: SMARCE1 (SWI/SNF related BAF chromatin remodeling complex subunit E1; minus strand). Cytogenetic location: 17q21.2.
Variant type: Deletion.
Coding change: c.874_877del on transcript NM_003079.5 (MANE Select); coding-DNA positions 874 to 877, 4 bases deleted (GCAG; older notation c.874_877delGCAG).
Protein change: p.Ala292fs; shifts the reading frame from alanine 292.
Molecular consequence: frameshift variant.
Genome position (GRCh38, 1-based): chr17:40,630,864-40,630,867, CTGC deleted on the plus strand (GCAG on the coding strand, the reverse complement: SMARCE1 is on the minus strand); deleting any 4 consecutive bases within chr17:40,630,864-40,630,870 gives the same sequence; the c. name uses the placement nearest the transcript's 3' end. VCF-style (leftmost placement, unchanged base first): chr17-40630863-TCTGC-T. GRCh37 (hg19) VCF-style: chr17-38787115-TCTGC-T.
Other names: short protein forms A292fs.
Identifiers: ClinVar variation 2017327 (VCV002017327.4), dbSNP rs2508596100, ClinGen allele CA2580093687.
Genomic context (GRCh38, chr17:40,630,863, plus strand): 5'-CGCTCAGCTTGCTCTGCGGCCTCCTTCTCCCTTTCCTCCTGCCTTTTGCGGGCCTGTTCC[TCTGC>T]CTGTGCAATCTCAGCTGCAATTTTCTCCATATCCACTTCTACTTTCAGACCGCACAACTA-3'